The following is an entry in ClinVar:

ClinVar aggregate classification (germline): Uncertain significance. Review status: criteria provided, multiple submitters, no conflicts (2 of 4 stars). 4 submissions from 4 submitters: Uncertain significance (4). Last evaluated 2025-09-26.

Conditions:
Inborn genetic diseases. Identifiers: MedGen C0950123, MeSH D030342.

Allele frequency attached by ClinVar (database versions not stated): TOPMed 0.00002; ExAC 0.00002; gnomAD exomes 0.00004 and 0.00002; gnomAD 0.00001.

Submissions (4):

Ambry Genetics
Classification: Uncertain significance for Inborn genetic diseases. Last evaluated: 2025-09-26. Review status: criteria provided, single submitter. Criteria: Ambry Variant Classification Scheme 2023. Collection method: clinical testing. Allele origin: germline.

Labcorp Genetics (formerly Invitae), Labcorp
Classification: Uncertain significance. Last evaluated: 2022-08-21. Review status: criteria provided, single submitter. Criteria: Invitae Variant Classification Sherloc (09022015). Collection method: clinical testing. Allele origin: germline.
Comment: This sequence change replaces valine, which is neutral and non-polar, with isoleucine, which is neutral and non-polar, at codon 310 of the SPART protein (p.Val310Ile). This variant is present in population databases (rs759847798, gnomAD 0.01%). This variant has not been reported in the literature in individuals affected with SPART-related conditions. ClinVar contains an entry for this variant (Variation ID: 252689). Algorithms developed to predict the effect of missense changes on protein structure and function (SIFT, PolyPhen-2, Align-GVGD) all suggest that this variant is likely to be tolerated. In summary, the available evidence is currently insufficient to determine the role of this variant in disease. Therefore, it has been classified as a Variant of Uncertain Significance.

GeneDx
Classification: Uncertain significance. Last evaluated: 2019-06-19. Review status: criteria provided, single submitter. Criteria: GeneDx Variant Classification Process June 2021. Collection method: clinical testing. Allele origin: germline. Affected: yes.
Comment: Not observed at a significant frequency in large population cohorts (Lek et al., 2016); In silico analysis, which includes protein predictors and evolutionary conservation, supports that this variant does not alter protein structure/function; Has not been previously published as pathogenic or benign to our knowledge

Genomic Diagnostic Laboratory, Division of Genomic Diagnostics, Children's Hospital of Philadelphia
Classification: Uncertain significance. Last evaluated: 2015-11-04. Review status: criteria provided, single submitter. Criteria: DGD Variant Analysis Guidelines. Collection method: clinical testing. Allele origin: unknown.

NM_015087.5(SPART):c.928G>A (p.Val310Ile)

Gene: SPART (spartin; minus strand). Cytogenetic location: 13q13.3.
Variant type: single nucleotide variant.
Coding change: c.928G>A on transcript NM_015087.5 (MANE Select); coding-DNA position 928, G replaced by A.
Protein change: p.Val310Ile; replaces valine 310 with isoleucine.
Molecular consequence: missense variant.
Genome position (GRCh38, 1-based): chr13:36,331,479, C>T on the plus strand (G>A on the coding strand, the complement: SPART is on the minus strand). VCF-style: chr13-36331479-C-T. GRCh37 (hg19) VCF-style: chr13-36905616-C-T.
Other names: c.928G>A, p.Val310Ile (NM_001142294.2, NM_001142295.2, NM_001142296.2); short protein forms V310I.
Identifiers: ClinVar variation 252689 (VCV000252689.7), dbSNP rs759847798, ClinGen allele CA6949531.